The following is an entry in ClinVar:

NM_021020.5(LZTS1):c.1295G>C (p.Arg432Thr)

Gene: LZTS1 (leucine zipper tumor suppressor 1; minus strand). Cytogenetic location: 8p21.3.
Variant type: single nucleotide variant.
Coding change: c.1295G>C on transcript NM_021020.5 (MANE Select); coding-DNA position 1295, G replaced by C.
Protein change: p.Arg432Thr; replaces arginine 432 with threonine.
Molecular consequence: missense variant.
Genome position (GRCh38, 1-based): chr8:20,250,218, C>G on the plus strand (G>C on the coding strand, the complement: LZTS1 is on the minus strand). VCF-style: chr8-20250218-C-G. GRCh37 (hg19) VCF-style: chr8-20107729-C-G.
Other names: c.1295G>C, p.Arg432Thr (NM_001362884.2); short protein forms R432T.
Identifiers: ClinVar variation 3695891 (VCV003695891.2).

ClinVar aggregate classification (germline): Uncertain significance (1 of 4 stars; one submission).

Submission:

Labcorp Genetics (formerly Invitae), Labcorp
Classification: Uncertain significance. Last evaluated: 2024-11-27. Review status: criteria provided, single submitter. Criteria: Invitae Variant Classification Sherloc (09022015). Collection method: clinical testing. Allele origin: germline.
Comment: This sequence change replaces arginine, which is basic and polar, with threonine, which is neutral and polar, at codon 432 of the LZTS1 protein (p.Arg432Thr). This variant is not present in population databases (gnomAD no frequency). This variant has not been reported in the literature in individuals affected with LZTS1-related conditions. Invitae Evidence Modeling of protein sequence and biophysical properties (such as structural, functional, and spatial information, amino acid conservation, physicochemical variation, residue mobility, and thermodynamic stability) indicates that this missense variant is not expected to disrupt LZTS1 protein function with a negative predictive value of 80%. In summary, the available evidence is currently insufficient to determine the role of this variant in disease. Therefore, it has been classified as a Variant of Uncertain Significance.